The following is an entry in ClinVar:

NM_014225.6(PPP2R1A):c.500G>A (p.Arg167Gln)

Gene: PPP2R1A (protein phosphatase 2 scaffold subunit Aalpha; plus strand). Cytogenetic location: 19q13.41.
Variant type: single nucleotide variant.
Coding change: c.500G>A on transcript NM_014225.6 (MANE Select); coding-DNA position 500, G replaced by A.
Protein change: p.Arg167Gln; replaces arginine 167 with glutamine.
Molecular consequence: missense variant. On other transcripts: 5 prime UTR variant (1), non-coding transcript variant (1).
Genome position (GRCh38, 1-based): chr19:52,211,489, G>A. VCF-style: chr19-52211489-G-A. GRCh37 (hg19) VCF-style: chr19-52714742-G-A.
Other names: c.-38G>A (NM_001363656.2); short protein forms R167Q.
Identifiers: ClinVar variation 4703236 (VCV004703236.1).
Genomic context (GRCh38, chr19:52,211,489, plus strand): 5'-CCTGCGGCCTCTTCTCCGTCTGCTACCCCCGAGTGTCCAGTGCTGTGAAGGCGGAACTTC[G>A]ACAGTGAGTCTCTGCCTCCTTGGAAGCTCCAAGCTCCCATCTCAGCTCCAACCTTCTCTA-3'
Protein context (NP_055040.2, residues 157-177): RVSSAVKAEL[Arg167Gln]QYFRNLCSDD

ClinVar aggregate classification (germline): Uncertain significance (1 of 4 stars; one submission).

gnomAD v4.1: 4 of 1,605,058 alleles (0.00025%); highest among the groups gnomAD compares: Non-Finnish European, 0.00034%; no homozygotes.

Submission:

Labcorp Genetics (formerly Invitae), Labcorp
Classification: Uncertain significance. Last evaluated: 2025-09-03. Review status: criteria provided, single submitter. Criteria: Invitae Variant Classification Sherloc (09022015). Collection method: clinical testing. Allele origin: germline.
Comment: This sequence change replaces arginine, which is basic and polar, with glutamine, which is neutral and polar, at codon 167 of the PPP2R1A protein (p.Arg167Gln). This variant is not present in population databases (gnomAD no frequency). This variant has not been reported in the literature in individuals affected with PPP2R1A-related conditions. Invitae Evidence Modeling of protein sequence and biophysical properties (such as structural, functional, and spatial information, amino acid conservation, physicochemical variation, residue mobility, and thermodynamic stability) indicates that this missense variant is expected to disrupt PPP2R1A protein function with a positive predictive value of 80%. In summary, the available evidence is currently insufficient to determine the role of this variant in disease. Therefore, it has been classified as a Variant of Uncertain Significance.